The following is an entry in ClinVar:

ClinVar aggregate classification (germline): Likely pathogenic (1 of 4 stars; one submission).

Conditions:
Ataxia-telangiectasia syndrome (AT). Also called: LOUIS-BAR SYNDROME; Cerebello-oculocutaneous telangiectasia; Immunodeficiency with ataxia telangiectasia; Ataxia-telangiectasia, complementation group D; AT, COMPLEMENTATION GROUP C; ATAXIA-TELANGIECTASIA, COMPLEMENTATION GROUP A. Identifiers: Orphanet 100, MedGen C0004135, MONDO:0008840, OMIM 208900.

Submission:

Natera, Inc.
Classification: Likely pathogenic for Ataxia-telangiectasia. Last evaluated: 2025-02-11. Review status: criteria provided, single submitter. Criteria: Natera Variant Classification Schema (03/2026). Collection method: clinical testing. Allele origin: germline.
Comment: The c.3240del variant in ATM is a frameshift variant predicted to shift the reading frame beginning at codon 1080 and leads to a stop codon 29 codons downstream. This variant is expected to result in nonsense mediated decay, truncation, or a dysfunctional protein product. This variant is rare in the general population with a frequency below the threshold expected for the associated phenotype(s). Given the available evidence, this variant is classified as Likely Pathogenic.

NM_000051.4(ATM):c.3240del (p.Asp1080fs)

Gene: ATM (ATM serine/threonine kinase; plus strand). Cytogenetic location: 11q22.3.
Variant type: Deletion.
Coding change: c.3240del on transcript NM_000051.4 (MANE Select); coding-DNA position 3240, one base deleted (C; older notation c.3240delC).
Protein change: p.Asp1080fs; shifts the reading frame from aspartic acid 1080.
Molecular consequence: frameshift variant.
Genome position (GRCh38, 1-based): chr11:108,272,808, C deleted. VCF-style (leftmost placement, unchanged base first): chr11-108272807-AC-A. GRCh37 (hg19) VCF-style: chr11-108143534-AC-A.
Other names: c.3240delC, p.Asp1080Glufs (NM_000051.3); c.3240del, p.Asp1080fs (NM_001351834.2); short protein forms D1080fs.
Identifiers: ClinVar variation 4063398 (VCV004063398.2).